The following is an entry in ClinVar:

ClinVar aggregate classification (germline): Conflicting classifications of pathogenicity. Review status: criteria provided, conflicting classifications (1 of 4 stars). 9 submissions from 5 submitters: Uncertain significance (7); Benign (2). Last evaluated 2025-10-08.

Conditions:
Myopathy, myofibrillar, 9, with early respiratory failure (MFM9). Also called: MYOPATHY, PROXIMAL, WITH EARLY RESPIRATORY MUSCLE INVOLVEMENT; Hereditary myopathy with early respiratory failure; Myopathy, distal, with early respiratory failure, autosomal dominant; EDSTROM MYOPATHY. Identifiers: Orphanet 178464, Orphanet 34521, MedGen C1863599, MONDO:0011362, OMIM 603689.
Cardiovascular phenotype. Identifiers: MedGen CN230736.
Early-onset myopathy with fatal cardiomyopathy (CMYO5). Also called: Salih Myopathy; CONGENITAL MYOPATHY 5 WITH CARDIOMYOPATHY. Identifiers: Orphanet 289377, MedGen C2673677, MONDO:0012714, OMIM 611705. Disease mechanism: loss of function.
Autosomal recessive limb-girdle muscular dystrophy type 2J (LGMDR10). Also called: Limb-girdle muscular dystrophy, type 2J; MUSCULAR DYSTROPHY, LIMB-GIRDLE, AUTOSOMAL RECESSIVE 10. Identifiers: Orphanet 140922, MedGen C1837342, MONDO:0012127, OMIM 608807.
TTN-related disorder. Also called: TTN-related disorders; TTN-related condition; TTN-related disease.
Tibial muscular dystrophy (TMD). Also called: UDD MYOPATHY; Tibial muscular dystrophy, tardive; Udd Distal Myopathy – Tibial Muscular Dystrophy. Identifiers: Orphanet 609, MedGen C1838244, MONDO:0010870, OMIM 600334.
Dilated cardiomyopathy 1G (CMD1G). Identifiers: Orphanet 154, MedGen C1858763, MONDO:0011400, OMIM 604145.

Allele frequency attached by ClinVar (database versions not stated): gnomAD 0.00001; gnomAD exomes 0.00001; ExAC 0.00002; TOPMed 0.00005; 1000 Genomes Project 30x 0.00016; 1000 Genomes Project 0.00020.
gnomAD v4.1: 9 of 1,613,738 alleles (0.00056%); highest among the groups gnomAD compares: East Asian, 0.016%; no homozygotes.

Submissions (9):

PreventionGenetics, part of Exact Sciences
Classification: Uncertain significance for TTN-related condition. Last evaluated: 2025-10-08. Review status: criteria provided, single submitter. Criteria: ACMG Guidelines, 2015. Collection method: clinical testing. Allele origin: germline.
Comment: The TTN c.95829A>G variant is not predicted to result in an amino acid change (p.=). This variant is predicted to alter splicing based on available splicing prediction programs (SpliceAI, Jaganathan et al. 2019. PubMed ID: 30661751). However, the use of computer prediction programs is not equivalent to functional evidence. To our knowledge, this variant has not been reported in the literature. This variant is reported in 0.017% of alleles in individuals of East Asian descent in gnomAD. At this time, the clinical significance of this variant is uncertain due to the absence of conclusive functional and genetic evidence.

GeneDx
Classification: Uncertain significance. Last evaluated: 2025-01-31. Review status: criteria provided, single submitter. Criteria: GeneDx Variant Classification Process June 2021. Collection method: clinical testing. Allele origin: germline. Affected: yes.
Comment: Not observed at significant frequency in large population cohorts (gnomAD); Has not been previously published as pathogenic or benign to our knowledge; In silico analysis suggests this variant may impact gene splicing. In the absence of RNA/functional studies, the actual effect of this sequence change is unknown.; This variant is associated with the following publications: (PMID: 22335739, 32778822)

Ambry Genetics
Classification: Uncertain significance for Cardiovascular phenotype. Last evaluated: 2024-08-22. Review status: criteria provided, single submitter. Criteria: Ambry Variant Classification Scheme 2023. Collection method: clinical testing. Allele origin: germline.
Comment: The c.68634A>G variant (also known as p.G22878G), located in coding exon 172 of the TTN gene, results from an A to G substitution at nucleotide position 68634. This nucleotide substitution does not change the amino acid at codon 22878. This nucleotide position is poorly conserved in available vertebrate species. In silico splice site analysis predicts that this alteration may result in the creation or strengthening of a novel splice donor site. Based on the available evidence, the clinical significance of this variant remains unclear.

Illumina Laboratory Services, Illumina
Classification: Uncertain significance for Early-onset myopathy with fatal cardiomyopathy. Last evaluated: 2018-01-12. Review status: criteria provided, single submitter. Criteria: ICSL Variant Classification Criteria 13 December 2019. Collection method: clinical testing. Allele origin: germline.

Illumina Laboratory Services, Illumina
Classification: Uncertain significance for Dilated cardiomyopathy 1G. Last evaluated: 2018-01-12. Review status: criteria provided, single submitter. Criteria: ICSL Variant Classification Criteria 13 December 2019. Collection method: clinical testing. Allele origin: germline.

Illumina Laboratory Services, Illumina
Classification: Benign for Tibial muscular dystrophy. Last evaluated: 2018-01-12. Review status: criteria provided, single submitter. Criteria: ICSL Variant Classification Criteria 13 December 2019. Collection method: clinical testing. Allele origin: germline.
Comment: This variant was observed in the ICSL laboratory as part of a predisposition screen in an ostensibly healthy population. It had not been previously curated by ICSL or reported in the Human Gene Mutation Database (HGMD: prior to June 1st, 2018), and was therefore a candidate for classification through an automated scoring system. Utilizing variant allele frequency, disease prevalence and penetrance estimates, and inheritance mode, an automated score was calculated to assess if this variant is too frequent to cause the disease. Based on the score and internal cut-off values, a variant classified as benign is not then subjected to further curation. The score for this variant resulted in a classification of benign for this disease.

Illumina Laboratory Services, Illumina
Classification: Benign for Myopathy, myofibrillar, 9, with early respiratory failure. Last evaluated: 2018-01-12. Review status: criteria provided, single submitter. Criteria: ICSL Variant Classification Criteria 13 December 2019. Collection method: clinical testing. Allele origin: germline.
Comment: the same text as in the submission from Illumina Laboratory Services, Illumina above.

Illumina Laboratory Services, Illumina
Classification: Uncertain significance for Autosomal recessive limb-girdle muscular dystrophy type 2J. Last evaluated: 2018-01-12. Review status: criteria provided, single submitter. Criteria: ICSL Variant Classification Criteria 13 December 2019. Collection method: clinical testing. Allele origin: germline.

Eurofins Ntd Llc (ga)
Classification: Uncertain significance. Last evaluated: 2017-05-25. Review status: criteria provided, single submitter. Criteria: EGL Classification Definitions 2015. Collection method: clinical testing. Allele origin: germline. Observed: 1 variant allele, 1 heterozygote.

NM_001267550.2(TTN):c.95829A>G (p.Gly31943=)

Genes: TTN-AS1 (TTN antisense RNA 1; plus strand), TTN (titin; minus strand). Cytogenetic location: 2q31.2.
Variant type: single nucleotide variant.
Coding change: c.95829A>G on transcript NM_001267550.2 (MANE Select); coding-DNA position 95829, A replaced by G.
Protein change: p.Gly31943=; no amino-acid change (glycine 31943 retained).
Molecular consequence: synonymous variant.
Genome position (GRCh38, 1-based): chr2:178,544,400, T>C on the plus strand (A>G on the coding strand, the complement: TTN is on the minus strand). VCF-style: chr2-178544400-T-C. GRCh37 (hg19) VCF-style: chr2-179409127-T-C.
Other names: c.90906A>G, p.Gly30302= (NM_001256850.1); c.68634A>G, p.Gly22878= (NM_003319.4); c.88125A>G, p.Gly29375= (NM_133378.4); c.69009A>G, p.Gly23003= (NM_133432.3); c.69210A>G, p.Gly23070= (NM_133437.4); c.95829A>G (NM_001267550.1).
Identifiers: ClinVar variation 332721 (VCV000332721.12), dbSNP rs572618111, ClinGen allele CA1986868.